The following is an entry in ClinVar:

ClinVar aggregate classification (germline): Pathogenic (3 of 4 stars; one submission).

Conditions:
Glanzmann thrombasthenia. Also called: Glanzmann's thrombasthenia; PLATELET GLYCOPROTEIN IIb-IIIa DEFICIENCY; BLEEDING DISORDER, PLATELET-TYPE, 2; THROMBASTHENIA OF GLANZMANN AND NAEGELI; Thrombasthenia. Identifiers: Orphanet 849, MedGen C0040015, MONDO:0100326.

Submission:

ClinGen Platelet Disorders Variant Curation Expert Panel, ClinGen
Classification: Pathogenic for Glanzmann thrombasthenia. Last evaluated: 2020-10-20. Review status: reviewed by expert panel. Criteria: ClinGen Platelet ACMG Specifications v2. Collection method: curation. Allele origin: germline. Inheritance: Autosomal recessive inheritance.
Comment: The ITGA2B splice variant NM_000419.4:c.1879-2A>G alters a canonical splice acceptor site. This variant is expected to lead to exon 19 skipping and production of an mRNA product predicted to undergo nonsense mediated decay, leading to loss of normal protein function. Furthermore, this variant has not been observed in population databases. In summary, this variant meets criteria to be classified as pathogenic for GT. GT-specific criteria applied: PVS1, PM2_Supporting, PM3, PP1_moderate, and PP4_strong.

Literature cited by the submitters: PubMed 30792900; PubMed 20020534; PubMed 25728920.

NM_000419.5(ITGA2B):c.1879-2A>G

Gene: ITGA2B (integrin subunit alpha 2b; minus strand). Cytogenetic location: 17q21.31.
Variant type: single nucleotide variant.
Coding change: c.1879-2A>G on transcript NM_000419.5 (MANE Select); the canonical splice acceptor site of the intron before coding-DNA position 1879, A replaced by G.
Molecular consequence: splice acceptor variant.
Genome position (GRCh38, 1-based): chr17:44,378,712, T>C on the plus strand (A>G on the coding strand, the complement: ITGA2B is on the minus strand). VCF-style: chr17-44378712-T-C. GRCh37 (hg19) VCF-style: chr17-42456080-T-C.
Identifiers: ClinVar variation 996194 (VCV000996194.2), dbSNP rs77229108, ClinGen allele CA290949031.